The following is an entry in ClinVar:

ClinVar aggregate classification (germline): Uncertain significance (1 of 4 stars; one submission).

Conditions:
Hermansky-Pudlak syndrome 2 (HPS2). Also called: Platelet defects and oculocutaneous albinism. Identifiers: Orphanet 183678, Orphanet 79430, MedGen C1842362, MONDO:0011997, OMIM 608233.

Submission:

Labcorp Genetics (formerly Invitae), Labcorp
Classification: Uncertain significance for Hermansky-Pudlak syndrome 2. Last evaluated: 2021-09-14. Review status: criteria provided, single submitter. Criteria: Invitae Variant Classification Sherloc (09022015). Collection method: clinical testing. Allele origin: germline.
Comment: This variant is not present in population databases (ExAC no frequency). This sequence change replaces arginine with glycine at codon 104 of the AP3B1 protein (p.Arg104Gly). The arginine residue is highly conserved and there is a moderate physicochemical difference between arginine and glycine. This variant has not been reported in the literature in individuals affected with AP3B1-related conditions. Algorithms developed to predict the effect of missense changes on protein structure and function are either unavailable or do not agree on the potential impact of this missense change (SIFT: "Deleterious"; PolyPhen-2: "Probably Damaging"; Align-GVGD: "Class C0"). In summary, the available evidence is currently insufficient to determine the role of this variant in disease. Therefore, it has been classified as a Variant of Uncertain Significance.

NM_003664.5(AP3B1):c.310C>G (p.Arg104Gly)

Gene: AP3B1 (adaptor related protein complex 3 subunit beta 1; minus strand). Cytogenetic location: 5q14.1.
Variant type: single nucleotide variant.
Coding change: c.310C>G on transcript NM_003664.5 (MANE Select); coding-DNA position 310, C replaced by G.
Protein change: p.Arg104Gly; replaces arginine 104 with glycine.
Molecular consequence: missense variant.
Genome position (GRCh38, 1-based): chr5:78,228,209, G>C on the plus strand (C>G on the coding strand, the complement: AP3B1 is on the minus strand). VCF-style: chr5-78228209-G-C. GRCh37 (hg19) VCF-style: chr5-77524033-G-C.
Other names: c.163C>G, p.Arg55Gly (NM_001271769.2); short protein forms R55G, R104G.
Identifiers: ClinVar variation 1474947 (VCV001474947.6), dbSNP rs1746480237, ClinGen allele CA360191804.
Genomic context (GRCh38, chr5:78,228,209, plus strand): 5'-GAGCTCGCTGAAAAGTGCTTATGGACAGGAGTGCAAGATCCTGCTGTTCTTCAGCATATC[G>C]AACCAGGTAAACATATACCAACTTCTTGATCTGTTAAAAAAAAATCATTTATTCATAACC-3'
Protein context (NP_003655.3, residues 94-114): IKKLVYVYLV[Arg104Gly]YAEEQQDLAL